The following is an entry in ClinVar:

NM_000321.3(RB1):c.1102G>T (p.Val368Leu)

Gene: RB1 (RB transcriptional corepressor 1; plus strand). Cytogenetic location: 13q14.2.
Variant type: single nucleotide variant.
Coding change: c.1102G>T on transcript NM_000321.3 (MANE Select); coding-DNA position 1102, G replaced by T.
Protein change: p.Val368Leu; replaces valine 368 with leucine.
Molecular consequence: missense variant.
Genome position (GRCh38, 1-based): chr13:48,368,579, G>T. VCF-style: chr13-48368579-G-T. GRCh37 (hg19) VCF-style: chr13-48942715-G-T.
Other names: c.1102G>T (NM_000321.2); short protein forms V368L.
Identifiers: ClinVar variation 1525960 (VCV001525960.7), dbSNP rs1049721, ClinGen allele CA388161288.

ClinVar aggregate classification (germline): Conflicting classifications of pathogenicity. Review status: criteria provided, conflicting classifications (1 of 4 stars). 2 submissions from 2 submitters: Uncertain significance (1); Likely benign (1). Last evaluated 2026-08-03.

Conditions:
Retinoblastoma (RB1). Also called: RETINOBLASTOMA, SOMATIC. Identifiers: Orphanet 790, MedGen C0035335, MeSH D012175, MONDO:0008380, OMIM 180200, HP:0009919. Disease mechanism: loss of function. Inheritance: Both sporadic and heritable forms are tested..
Hereditary cancer-predisposing syndrome. Also called: Hereditary Cancer Syndrome; Tumor predisposition; Neoplastic Syndromes, Hereditary; Hereditary neoplastic syndrome. Identifiers: Orphanet 140162, MedGen C0027672, MeSH D009386, MONDO:0015356.

Submissions (2):

Ambry Genetics
Classification: Likely benign for Hereditary cancer-predisposing syndrome. Last evaluated: 2026-08-03. Review status: criteria provided, single submitter. Criteria: Ambry Variant Classification Scheme 2023. Collection method: clinical testing. Allele origin: germline.

Labcorp Genetics (formerly Invitae), Labcorp
Classification: Uncertain significance for Retinoblastoma. Last evaluated: 2021-10-16. Review status: criteria provided, single submitter. Criteria: Invitae Variant Classification Sherloc (09022015). Collection method: clinical testing. Allele origin: germline.
Comment: This variant has not been reported in the literature in individuals affected with RB1-related conditions. In summary, the available evidence is currently insufficient to determine the role of this variant in disease. Therefore, it has been classified as a Variant of Uncertain Significance. Algorithms developed to predict the effect of missense changes on protein structure and function output the following: SIFT: "Tolerated"; PolyPhen-2: "Benign"; Align-GVGD: "Class C0". The leucine amino acid residue is found in multiple mammalian species, which suggests that this missense change does not adversely affect protein function. This variant is not present in population databases (ExAC no frequency). This sequence change replaces valine with leucine at codon 368 of the RB1 protein (p.Val368Leu). The valine residue is weakly conserved and there is a small physicochemical difference between valine and leucine.